The following is an entry in ClinVar:

NM_152490.5(B3GALNT2):c.874C>T (p.Arg292Cys)

Gene: B3GALNT2 (beta-1,3-N-acetylgalactosaminyltransferase 2; minus strand). Cytogenetic location: 1q42.3.
Variant type: single nucleotide variant.
Coding change: c.874C>T on transcript NM_152490.5 (MANE Select); coding-DNA position 874, C replaced by T.
Protein change: p.Arg292Cys; replaces arginine 292 with cysteine.
Molecular consequence: missense variant.
Genome position (GRCh38, 1-based): chr1:235,458,754, G>A on the plus strand (C>T on the coding strand, the complement: B3GALNT2 is on the minus strand). VCF-style: chr1-235458754-G-A. GRCh37 (hg19) VCF-style: chr1-235622062-G-A.
Other names: short protein forms R292C.
Identifiers: ClinVar variation 916380 (VCV000916380.45), dbSNP rs1683282264, ClinGen allele CA344960318.

ClinVar aggregate classification (germline): Uncertain significance. Review status: criteria provided, multiple submitters, no conflicts (2 of 4 stars). 2 submissions from 2 submitters: Uncertain significance (2). Last evaluated 2022-07-26.

Conditions:
Muscular dystrophy-dystroglycanopathy (congenital with brain and eye anomalies), type a, 11 (MDDGA11). Also called: Muscular dystrophy-dystroglycanopathy (congenital with brain and eye anomalies, type A, 11; Congenital muscular dystrophy-dystroglycanopathy with brain and eye anomalies, type A11; WALKER-WARBURG SYNDROME OR MUSCLE-EYE-BRAIN DISEASE, B3GALNT2-RELATED. Identifiers: Orphanet 588, Orphanet 899, MedGen C3554638, MONDO:0014071, OMIM 615181.

Allele frequency attached by ClinVar (database versions not stated): gnomAD exomes below 0.00001.
gnomAD v4.1: 5 of 1,600,902 alleles (0.00031%); highest among the groups gnomAD compares: Non-Finnish European, 0.00034%; no homozygotes.

Submissions (2):

Labcorp Genetics (formerly Invitae), Labcorp
Classification: Uncertain significance for Muscular dystrophy-dystroglycanopathy (congenital with brain and eye anomalies), type a, 11. Last evaluated: 2022-07-26. Review status: criteria provided, single submitter. Criteria: Invitae Variant Classification Sherloc (09022015). Collection method: clinical testing. Allele origin: germline.
Comment: This variant has not been reported in the literature in individuals affected with B3GALNT2-related conditions. In summary, the available evidence is currently insufficient to determine the role of this variant in disease. Therefore, it has been classified as a Variant of Uncertain Significance. Algorithms developed to predict the effect of missense changes on protein structure and function are either unavailable or do not agree on the potential impact of this missense change (SIFT: "Deleterious"; PolyPhen-2: "Probably Damaging"; Align-GVGD: "Class C0"). ClinVar contains an entry for this variant (Variation ID: 916380). This variant is not present in population databases (gnomAD no frequency). This sequence change replaces arginine, which is basic and polar, with cysteine, which is neutral and slightly polar, at codon 292 of the B3GALNT2 protein (p.Arg292Cys).

CeGaT Center for Human Genetics Tuebingen
Classification: Uncertain significance. Last evaluated: 2020-03-01. Review status: criteria provided, single submitter. Criteria: CeGaT Center For Human Genetics Tuebingen Variant Classification Criteria Version 2. Collection method: clinical testing. Allele origin: germline. Affected: yes. Observed: 1 variant allele.